The following is an entry in ClinVar:

ClinVar aggregate classification (germline): Likely benign. Review status: criteria provided, multiple submitters, no conflicts (2 of 4 stars). 2 submissions from 2 submitters: Likely benign (2). Last evaluated 2025-11-10.

Conditions:
Tuberous sclerosis 2 (TSC2). Identifiers: Orphanet 805, MedGen C1860707, MONDO:0013199, OMIM 613254.

Allele frequency attached by ClinVar (database versions not stated): TOPMed below 0.00001; gnomAD 0.00001.
gnomAD v4.1: 2 of 1,572,286 alleles (0.00013%); highest among the groups gnomAD compares: Non-Finnish European, 0.000086%; no homozygotes.

Submissions (2):

Labcorp Genetics (formerly Invitae), Labcorp
Classification: Likely benign for Tuberous sclerosis 2. Last evaluated: 2025-11-10. Review status: criteria provided, single submitter. Criteria: Invitae Variant Classification Sherloc (09022015). Collection method: clinical testing. Allele origin: germline.

GeneDx
Classification: Likely benign. Last evaluated: 2017-09-15. Review status: criteria provided, single submitter. Criteria: GeneDx Variant Classification (06012015). Collection method: clinical testing. Allele origin: germline. Affected: yes.
Comment: This variant is considered likely benign or benign based on one or more of the following criteria: it is a conservative change, it occurs at a poorly conserved position in the protein, it is predicted to be benign by multiple in silico algorithms, and/or has population frequency not consistent with disease.

NM_000548.5(TSC2):c.4989+12G>A

Gene: TSC2 (TSC complex subunit 2; plus strand). Cytogenetic location: 16p13.3.
Variant type: single nucleotide variant.
Coding change: c.4989+12G>A on transcript NM_000548.5 (MANE Select); 12 bases into the intron after coding-DNA position 4989, G replaced by A.
Molecular consequence: intron variant.
Genome position (GRCh38, 1-based): chr16:2,086,883, G>A. VCF-style: chr16-2086883-G-A. GRCh37 (hg19) VCF-style: chr16-2136884-G-A.
Other names: c.4920+12G>A (NM_001114382.3); c.4860+12G>A (NM_021055.3, NM_001370405.1); c.4791+12G>A (NM_001363528.2); c.4857+12G>A (NM_001370404.1); c.4788+12G>A (NM_001077183.3); c.4680+12G>A (NM_001318827.2); c.4257+12G>A (NM_001318831.2); c.4644+12G>A (NM_001318829.2); and 1 more.
Identifiers: ClinVar variation 511972 (VCV000511972.8), dbSNP rs1343916460, ClinGen allele CA658798492.